The following is an entry in ClinVar:

ClinVar aggregate classification (germline): Uncertain significance. Review status: criteria provided, multiple submitters, no conflicts (2 of 4 stars). 3 submissions from 3 submitters: Uncertain significance (3). Last evaluated 2025-06-11.

Conditions:
Megalencephalic leukoencephalopathy with subcortical cysts 1 (MLC1). Also called: LEUKOENCEPHALOPATHY WITH SWELLING AND CYSTS; VACUOLATING MEGALENCEPHALIC LEUKOENCEPHALOPATHY WITH SUBCORTICAL CYSTS. Identifiers: Orphanet 2478, MedGen C5779875, MONDO:0024555, OMIM 604004.
Inborn genetic diseases. Identifiers: MedGen C0950123, MeSH D030342.

Allele frequency attached by ClinVar (database versions not stated): gnomAD 0.00001; gnomAD exomes 0.00001 and 0.00006; TOPMed 0.00003; ExAC 0.00006.
gnomAD v4.1: 19 of 1,613,242 alleles (0.0012%); highest among the groups gnomAD compares: East Asian, 0.031%; no homozygotes.

Submissions (4):

Ambry Genetics
Classification: Uncertain significance for Inborn genetic diseases. Last evaluated: 2025-06-11. Review status: criteria provided, single submitter. Criteria: Ambry Variant Classification Scheme 2023. Collection method: clinical testing. Allele origin: germline.

Fulgent Genetics
Classification: Uncertain significance for Megalencephalic leukoencephalopathy with subcortical cysts 1. Last evaluated: 2021-12-21. Review status: criteria provided, single submitter. Criteria: ACMG Guidelines, 2015. Collection method: clinical testing. Allele origin: unknown.

Labcorp Genetics (formerly Invitae), Labcorp
Classification: Uncertain significance. Last evaluated: 2021-12-02. Review status: criteria provided, single submitter. Criteria: Invitae Variant Classification Sherloc (09022015). Collection method: clinical testing. Allele origin: germline.
Comment: This sequence change replaces asparagine, which is neutral and polar, with serine, which is neutral and polar, at codon 110 of the MLC1 protein (p.Asn110Ser). This variant is present in population databases (rs766524233, gnomAD 0.08%). This variant has not been reported in the literature in individuals affected with MLC1-related conditions. Algorithms developed to predict the effect of missense changes on protein structure and function output the following: SIFT: "Tolerated"; PolyPhen-2: "Benign"; Align-GVGD: "Class C0". The serine amino acid residue is found in multiple mammalian species, which suggests that this missense change does not adversely affect protein function. In summary, the available evidence is currently insufficient to determine the role of this variant in disease. Therefore, it has been classified as a Variant of Uncertain Significance.

Dr. Peter K. Rogan Lab, Western University
No classification provided (evidence only). Condition: Familial cancer of breast. Review status: no classification provided. Collection method: in vitro. Allele origin: not applicable. Functional consequence: skipped exon, retained intron. Not counted in ClinVar's aggregate classification.

NM_015166.4(MLC1):c.329A>G (p.Asn110Ser)

Gene: MLC1 (modulator of VRAC current 1; minus strand). Cytogenetic location: 22q13.33.
Variant type: single nucleotide variant.
Coding change: c.329A>G on transcript NM_015166.4 (MANE Select); coding-DNA position 329, A replaced by G.
Protein change: p.Asn110Ser; replaces asparagine 110 with serine.
Molecular consequence: missense variant. On other transcripts: non-coding transcript variant (3), intron variant (3).
Genome position (GRCh38, 1-based): chr22:50,080,012, T>C on the plus strand (A>G on the coding strand, the complement: MLC1 is on the minus strand). VCF-style: chr22-50080012-T-C. GRCh37 (hg19) VCF-style: chr22-50518441-T-C.
Other names: c.329A>G, p.Asn110Ser (NM_001376472.1, NM_001376473.1, NM_001376474.1 and 6 more transcripts); c.239A>G, p.Asn80Ser (NM_001376480.1); c.92A>G, p.Asn31Ser (NM_001376484.1); c.268-2510A>G (NM_001376482.1, NM_001376483.1); c.321+332A>G (NM_001376481.1); c.329A>G (NM_015166.3); short protein forms N110S, N31S, N80S.
Identifiers: ClinVar variation 1402452 (VCV001402452.6), dbSNP rs766524233, ClinGen allele CA10303586.